The following is an entry in ClinVar:

ClinVar aggregate classification (germline): Likely benign. Review status: criteria provided, multiple submitters, no conflicts (2 of 4 stars). 2 submissions from 2 submitters: Likely benign (2). Last evaluated 2024-03-06.

Conditions:
Familial adenomatous polyposis 1 (FAP1). Also called: FAMILIAL ADENOMATOUS POLYPOSIS 1, ATTENUATED; POLYPOSIS, ADENOMATOUS INTESTINAL. Identifiers: MedGen C2713442, MONDO:0021056, OMIM 175100. Disease mechanism: loss of function.

Submissions (2):

Myriad Genetics, Inc.
Classification: Likely benign for Familial adenomatous polyposis 1. Last evaluated: 2024-03-06. Review status: criteria provided, single submitter. Criteria: Myriad Autosomal Dominant, Autosomal Recessive and X-Linked Classification Criteria (2023). Collection method: clinical testing. Allele origin: unknown.
Comment: This variant is considered likely benign. This variant is intronic and is not expected to impact mRNA splicing.

Labcorp Genetics (formerly Invitae), Labcorp
Classification: Likely benign for Familial adenomatous polyposis 1. Last evaluated: 2021-10-31. Review status: criteria provided, single submitter. Criteria: Invitae Variant Classification Sherloc (09022015). Collection method: clinical testing. Allele origin: germline.

NM_000038.6(APC):c.1627-19A>G

Gene: APC (APC regulator of Wnt signaling pathway; plus strand). Cytogenetic location: 5q22.2.
Variant type: single nucleotide variant.
Coding change: c.1627-19A>G on transcript NM_000038.6 (MANE Select); 19 bases into the intron before coding-DNA position 1627, A replaced by G.
Molecular consequence: intron variant.
Genome position (GRCh38, 1-based): chr5:112,828,837, A>G. VCF-style: chr5-112828837-A-G. GRCh37 (hg19) VCF-style: chr5-112164534-A-G.
Other names: c.1627-19A>G (NM_001354895.2, NM_001127510.3); c.1657-19A>G (NM_001354897.2); c.1354-19A>G (NM_001354902.2); c.1573-19A>G (NM_001127511.3); c.1552-19A>G (NM_001354898.2); c.1249-19A>G (NM_001354904.2); c.778-19A>G (NM_001354906.2); c.1681-19A>G (NM_001354896.2); and 5 more.
Identifiers: ClinVar variation 1575059 (VCV001575059.9), dbSNP rs2149816691, ClinGen allele CA2573138850.